The following is an entry in ClinVar:

ClinVar aggregate classification (germline): Pathogenic/Likely pathogenic. Review status: criteria provided, multiple submitters, no conflicts (2 of 4 stars). 4 submissions from 4 submitters: Pathogenic (2); Likely pathogenic (2). Last evaluated 2024-11-21.

Conditions:
Leber congenital amaurosis 2 (LCA2). Also called: AMAUROSIS CONGENITA OF LEBER II; Autosomal Recessive RPE65-Related Retinal Degeneration. Identifiers: Orphanet 65, MedGen C1859844, MONDO:0008765, OMIM 204100. Disease mechanism: loss of function.
Retinitis pigmentosa 20 (RP20). Identifiers: Orphanet 791, MedGen C3151086, MONDO:0013425, OMIM 613794.
RPE65-related disorder. Also called: RPE65-related condition; RPE65-related disorders. Identifiers: MedGen CN239301.
Leber congenital amaurosis (LCA). Also called: Leber's amaurosis. Identifiers: Orphanet 65, MedGen C0339527, MeSH D057130, MONDO:0018998.

Allele frequency attached by ClinVar (database versions not stated): ExAC 0.00001; gnomAD exomes 0.00001.
gnomAD v4.1: 8 of 1,614,184 alleles (0.0005%); highest among the groups gnomAD compares: Non-Finnish European, 0.000085%; no homozygotes.

Submissions (4):

Natera, Inc.
Classification: Pathogenic for Leber congenital amaurosis. Last evaluated: 2024-11-21. Review status: criteria provided, single submitter. Criteria: Natera Variant Classification Schema (03/2026). Collection method: clinical testing. Allele origin: germline.
Comment: The c.11+2T>G variant in RPE65 is a canonical splice donor site variant predicted to affect pre-mRNA splicing, which may result in an abnormal transcript and altered protein product. This variant is expected to result in nonsense mediated decay, truncation, or a dysfunctional protein product. This variant is rare in the general population with a frequency below the threshold expected for the associated phenotype(s). This variant has been observed in one or more individuals affected with the associated recessive disease, as either homozygous or compound heterozygous with a second variant (PMID: 31429209). Given the available evidence, this variant is classified as Pathogenic.

Labcorp Genetics (formerly Invitae), Labcorp
Classification: Likely pathogenic for Leber congenital amaurosis 2; Retinitis pigmentosa 20. Last evaluated: 2024-01-30. Review status: criteria provided, single submitter. Criteria: Invitae Variant Classification Sherloc (09022015). Collection method: clinical testing. Allele origin: germline.
Comment: This sequence change affects a donor splice site in intron 1 of the RPE65 gene. It is expected to disrupt RNA splicing. Variants that disrupt the donor or acceptor splice site typically lead to a loss of protein function (PMID: 16199547), and loss-of-function variants in RPE65 are known to be pathogenic (PMID: 9326941, 9501220, 9843205, 18632300). This variant is present in population databases (rs778768116, gnomAD 0.009%). Disruption of this splice site has been observed in individual(s) with clinical features of RPE65-related conditions (PMID: 31429209). ClinVar contains an entry for this variant (Variation ID: 957480). Algorithms developed to predict the effect of sequence changes on RNA splicing suggest that this variant may disrupt the consensus splice site. In summary, the currently available evidence indicates that the variant is pathogenic, but additional data are needed to prove that conclusively. Therefore, this variant has been classified as Likely Pathogenic.

Blueprint Genetics
Classification: Likely pathogenic for RPE65-related disorders. Last evaluated: 2023-08-02. Review status: criteria provided, single submitter. Criteria: ACMG Guidelines, 2015. Collection method: clinical testing. Allele origin: germline. Affected: yes. Observed: 2 variant alleles.

Baylor Genetics
Classification: Pathogenic for Leber congenital amaurosis 2. Last evaluated: 2022-05-26. Review status: criteria provided, single submitter. Criteria: ACMG Guidelines, 2015. Collection method: clinical testing. Allele origin: unknown.

Literature cited by the submitters: PubMed 31429209 (cited by Natera, Inc. and Labcorp Genetics (formerly Invitae), Labcorp); PubMed 16199547 (cited by Labcorp Genetics (formerly Invitae), Labcorp); PubMed 9326941 (cited by Labcorp Genetics (formerly Invitae), Labcorp); PubMed 9501220 (cited by Labcorp Genetics (formerly Invitae), Labcorp); PubMed 9843205 (cited by Labcorp Genetics (formerly Invitae), Labcorp); PubMed 18632300 (cited by Labcorp Genetics (formerly Invitae), Labcorp).

NM_000329.3(RPE65):c.11+2T>G

Gene: RPE65 (retinoid isomerohydrolase RPE65; minus strand). Cytogenetic location: 1p31.3.
Variant type: single nucleotide variant.
Coding change: c.11+2T>G on transcript NM_000329.3 (MANE Select); the canonical splice donor site of the intron after coding-DNA position 11, T replaced by G.
Molecular consequence: splice donor variant.
Genome position (GRCh38, 1-based): chr1:68,449,893, A>C on the plus strand (T>G on the coding strand, the complement: RPE65 is on the minus strand). VCF-style: chr1-68449893-A-C. GRCh37 (hg19) VCF-style: chr1-68915576-A-C.
Other names: c.-183+2T>G (NM_001406857.1); c.-115+2T>G (NM_001406856.1); c.11+2T>G (NM_001406853.1, NM_001406859.1, NM_001406860.1).
Identifiers: ClinVar variation 957480 (VCV000957480.12), dbSNP rs778768116, ClinGen allele CA902657.
Genomic context (GRCh38, chr1:68,449,893, plus strand): 5'-AAATAGCACATTTATCATGAATCCATGAAGGTGTTTTAAAAAAGTCTCCCAGAGATACTT[A>C]CTGGATAGACATTTTCTTCCAGTTCAGGATCCAGAGTTCTGGCACCAACTGCAGAATGAA-3'